The following is an entry in ClinVar:

NM_000350.3(ABCA4):c.1861A>G (p.Arg621Gly)

Gene: ABCA4 (ATP binding cassette subfamily A member 4; minus strand). Cytogenetic location: 1p22.1.
Variant type: single nucleotide variant.
Coding change: c.1861A>G on transcript NM_000350.3 (MANE Select); coding-DNA position 1861, A replaced by G.
Protein change: p.Arg621Gly; replaces arginine 621 with glycine.
Molecular consequence: missense variant.
Genome position (GRCh38, 1-based): chr1:94,062,653, T>C on the plus strand (A>G on the coding strand, the complement: ABCA4 is on the minus strand). VCF-style: chr1-94062653-T-C. GRCh37 (hg19) VCF-style: chr1-94528209-T-C.
Other names: c.1861A>G (NM_000350.2); c.1861A>G, p.Arg621Gly (NM_001425324.1); short protein forms R621G.
Identifiers: ClinVar variation 1090712 (VCV001090712.9), dbSNP rs141122703, ClinGen allele CA958407.

ClinVar aggregate classification (germline): Likely benign. Review status: criteria provided, multiple submitters, no conflicts (2 of 4 stars). 3 submissions from 3 submitters: Likely benign (3). Last evaluated 2025-11-05.

Conditions:
ABCA4-related disorder. Also called: ABCA4-related disorders; ABCA4-related condition. Identifiers: MedGen CN239167.

Allele frequency attached by ClinVar (database versions not stated): gnomAD 0.00007 and 0.00008; gnomAD exomes 0.00010 and 0.00044; ESP Exome Variant Server 0.00015; TOPMed 0.00018; ExAC 0.00033.
gnomAD v4.1: 148 of 1,614,068 alleles (0.0092%); highest among the groups gnomAD compares: Admixed American, 0.2%; 1 homozygote.

Submissions (3):

Labcorp Genetics (formerly Invitae), Labcorp
Classification: Likely benign. Last evaluated: 2025-11-05. Review status: criteria provided, single submitter. Criteria: Invitae Variant Classification Sherloc (09022015). Collection method: clinical testing. Allele origin: germline.

PreventionGenetics, part of Exact Sciences
Classification: Likely benign for ABCA4-related condition. Last evaluated: 2025-05-22. Review status: criteria provided, single submitter. Criteria: ACMG Guidelines, 2015. Collection method: clinical testing. Allele origin: germline.
Comment: This variant is classified as likely benign based on ACMG/AMP sequence variant interpretation guidelines (Richards et al. 2015 PMID: 25741868, with internal and published modifications).

Blueprint Genetics
Classification: Likely benign. Last evaluated: 2024-10-08. Review status: criteria provided, single submitter. Criteria: ACMG Guidelines, 2015. Collection method: clinical testing. Allele origin: germline.